The following is an entry in ClinVar:

ClinVar aggregate classification (germline): Uncertain significance. Review status: criteria provided, multiple submitters, no conflicts (2 of 4 stars). 5 submissions from 5 submitters: Uncertain significance (4). 1 of the submissions does not count toward it. Last evaluated 2025-11-10.

Conditions:
PMP22-related disorder. Also called: PMP22-related disorders; PMP22-related condition.
Charcot-Marie-Tooth disease. Also called: Charcot-Marie-Tooth Hereditary Neuropathy; Charcot-Marie-Tooth Neuropathy. Identifiers: Orphanet 166, MedGen C0007959, MONDO:0015626.
Charcot-Marie-Tooth disease, type I (CMT1). Also called: Charcot-Marie-Tooth disease type 1; Charcot-Marie-Tooth, Type 1. Identifiers: Orphanet 65753, MedGen C0751036, MONDO:0019011.

Allele frequency attached by ClinVar (database versions not stated): gnomAD 0.00001; gnomAD exomes 0.00001 and 0.00002; ExAC 0.00002; TOPMed 0.00002.

Submissions (5):

PreventionGenetics, part of Exact Sciences
Classification: Uncertain significance for PMP22-related condition. Last evaluated: 2025-11-10. Review status: criteria provided, single submitter. Criteria: ACMG Guidelines, 2015. Collection method: clinical testing. Allele origin: germline.
Comment: The PMP22 c.332T>C variant is predicted to result in the amino acid substitution p.Met111Thr. This variant has been reported in an individual with Charcot-Marie-Tooth disease (Miltenberger-Miltenyi et al. 2009. PubMed ID: 19259128). This variant is reported in 0.014% of alleles in individuals of Latino descent in gnomAD. At this time, the clinical significance of this variant is uncertain due to the absence of conclusive functional and genetic evidence.

Labcorp Genetics (formerly Invitae), Labcorp
Classification: Uncertain significance for Charcot-Marie-Tooth disease, type I. Last evaluated: 2025-03-03. Review status: criteria provided, single submitter. Criteria: Invitae Variant Classification Sherloc (09022015). Collection method: clinical testing. Allele origin: germline.
Comment: This sequence change replaces methionine, which is neutral and non-polar, with threonine, which is neutral and polar, at codon 111 of the PMP22 protein (p.Met111Thr). This variant is present in population databases (rs759808649, gnomAD 0.01%). This missense change has been observed in individual(s) with Charcot-Marie-Tooth disease (PMID: 19259128). ClinVar contains an entry for this variant (Variation ID: 576212). Invitae Evidence Modeling of protein sequence and biophysical properties (such as structural, functional, and spatial information, amino acid conservation, physicochemical variation, residue mobility, and thermodynamic stability) indicates that this missense variant is expected to disrupt PMP22 protein function with a positive predictive value of 95%. In summary, the available evidence is currently insufficient to determine the role of this variant in disease. Therefore, it has been classified as a Variant of Uncertain Significance.

Athena Diagnostics
Classification: Uncertain significance. Last evaluated: 2025-01-16. Review status: criteria provided, single submitter. Criteria: Athena Diagnostics Criteria. Collection method: clinical testing. Allele origin: unknown.
Comment: Available data are insufficient to determine the clinical significance of the variant at this time. The frequency of this variant in the general population is higher than would generally be expected for pathogenic variants in this gene. Polyphen and MutationTaster predict this amino acid change may be damaging to the protein.

GeneDx
Classification: Uncertain significance. Last evaluated: 2023-05-08. Review status: criteria provided, single submitter. Criteria: GeneDx Variant Classification Process June 2021. Collection method: clinical testing. Allele origin: germline. Affected: yes.
Comment: Observed in a patient with a clinical diagnosis of Charcot-Marie-Tooth disease in published literature (Miltenberger-Miltenyi et al., 2009); In silico analysis supports that this missense variant has a deleterious effect on protein structure/function; This variant is associated with the following publications: (PMID: 19259128)

Inherited Neuropathy Consortium
Classification: Uncertain significance for Charcot-Marie-Tooth disease. Review status: no assertion criteria provided. Collection method: literature only. Allele origin: germline. Affected: yes. Not counted in ClinVar's aggregate classification.

Literature cited by the submitters: PubMed 19259128 (cited by 3 submitters).

NM_000304.4(PMP22):c.332T>C (p.Met111Thr)

Gene: PMP22 (peripheral myelin protein 22; minus strand). Cytogenetic location: 17p12.
Variant type: single nucleotide variant.
Coding change: c.332T>C on transcript NM_000304.4 (MANE Select); coding-DNA position 332, T replaced by C.
Protein change: p.Met111Thr; replaces methionine 111 with threonine.
Molecular consequence: missense variant. On other transcripts: non-coding transcript variant (2).
Genome position (GRCh38, 1-based): chr17:15,231,068, A>G on the plus strand (T>C on the coding strand, the complement: PMP22 is on the minus strand). VCF-style: chr17-15231068-A-G. GRCh37 (hg19) VCF-style: chr17-15134385-A-G.
Other names: c.332T>C (NM_000304.2); c.332T>C, p.Met111Thr (NM_001281455.2, NM_001281456.2, NM_153321.3 and 1 more transcripts); short protein forms M111T.
Identifiers: ClinVar variation 576212 (VCV000576212.13), dbSNP rs759808649, ClinGen allele CA8403320.